The following is an entry in ClinVar:

NM_002474.3(MYH11):c.4942C>T (p.Arg1648Cys)

Genes: MYH11 (myosin heavy chain 11; minus strand), NDE1 (nudE neurodevelopment protein 1; plus strand). Cytogenetic location: 16p13.11.
Variant type: single nucleotide variant.
Coding change: c.4942C>T on transcript NM_002474.3 (MANE Select); coding-DNA position 4942, C replaced by T.
Protein change: p.Arg1648Cys; replaces arginine 1648 with cysteine.
Molecular consequence: missense variant. On other transcripts: intron variant (2).
Genome position (GRCh38, 1-based): chr16:15,720,162, G>A on the plus strand (C>T on the coding strand, the complement: MYH11 is on the minus strand). VCF-style: chr16-15720162-G-A. GRCh37 (hg19) VCF-style: chr16-15814019-G-A.
Other names: c.4963C>T, p.Arg1655Cys (NM_001040113.2, NM_001040114.2); c.4942C>T, p.Arg1648Cys (NM_022844.3); c.948-4029G>A (NM_001143979.2, NM_017668.3); c.4942C>T (NM_002474.2); short protein forms R1655C, R1648C.
Identifiers: ClinVar variation 161318 (VCV000161318.17), dbSNP rs369409348, ClinGen allele CA211697.

ClinVar aggregate classification (germline): Uncertain significance. Review status: criteria provided, multiple submitters, no conflicts (2 of 4 stars). 6 submissions from 6 submitters: Uncertain significance (5). 1 of the submissions does not count toward it. Last evaluated 2026-01-25.

Conditions:
Visceral myopathy 2. Identifiers: MedGen C5543466, MONDO:0859157, OMIM 619350.
Megacystis-microcolon-intestinal hypoperistalsis syndrome 2. Identifiers: MedGen C5543476, MONDO:0025708, OMIM 619351.
Aortic aneurysm, familial thoracic 4 (AAT4). Also called: AORTIC ANEURYSM/AORTIC DISSECTION AND PATENT DUCTUS ARTERIOSUS. Identifiers: MedGen C1851504, MONDO:0007568, OMIM 132900.
Aortic aneurysm. Also called: Aortic aneurysm (disease). Identifiers: MedGen C0003486, MONDO:0005160, HP:0004942.
Familial thoracic aortic aneurysm and aortic dissection (TAAD). Also called: Thoracic aortic aneurysms and dissections. Identifiers: Orphanet 91387, MedGen C4707243, MONDO:0019625.

Allele frequency attached by ClinVar (database versions not stated): gnomAD 0.00003 and 0.00002; gnomAD exomes 0.00002 and 0.00001; ESP Exome Variant Server 0.00008; ExAC 0.00002; TOPMed 0.00006.
gnomAD v4.1: 26 of 1,613,974 alleles (0.0016%); highest among the groups gnomAD compares: Admixed American, 0.0083%; no homozygotes.

Submissions (6):

Labcorp Genetics (formerly Invitae), Labcorp
Classification: Uncertain significance for Aortic aneurysm, familial thoracic 4. Last evaluated: 2026-01-25. Review status: criteria provided, single submitter. Criteria: Invitae Variant Classification Sherloc (09022015). Collection method: clinical testing. Allele origin: germline.
Comment: This sequence change replaces arginine, which is basic and polar, with cysteine, which is neutral and slightly polar, at codon 1655 of the MYH11 protein (p.Arg1655Cys). This variant is present in population databases (rs369409348, gnomAD 0.009%). This missense change has been observed in individual(s) with thoracic aortic aneurysm or dissection (PMID: 22001912). ClinVar contains an entry for this variant (Variation ID: 161318). Invitae Evidence Modeling of protein sequence and biophysical properties (such as structural, functional, and spatial information, amino acid conservation, physicochemical variation, residue mobility, and thermodynamic stability) indicates that this missense variant is not expected to disrupt MYH11 protein function with a negative predictive value of 80%. In summary, the available evidence is currently insufficient to determine the role of this variant in disease. Therefore, it has been classified as a Variant of Uncertain Significance.

Color Diagnostics, LLC DBA Color Health
Classification: Uncertain significance for Familial thoracic aortic aneurysm and aortic dissection. Last evaluated: 2025-10-14. Review status: criteria provided, single submitter. Criteria: ACMG Guidelines, 2015. Collection method: clinical testing. Allele origin: germline.
Comment: This missense variant replaces arginine with cysteine at codon 1655 of the MYH11 protein. Computational prediction suggests that this variant may have deleterious impact on protein structure and function. To our knowledge, functional studies have not been reported for this variant. This variant has been reported in an individual affected with thoracic aortic aneurysm and dissection (PMID: 22001912) and in an individual affected with ischemic stroke (PMID: 36973604). This variant has been identified in 26/1613974 chromosomes in the general population by the Genome Aggregation Database (gnomAD). The available evidence is insufficient to determine the role of this variant in disease conclusively. Therefore, this variant is classified as a Variant of Uncertain Significance.

GeneDx
Classification: Uncertain significance. Last evaluated: 2025-10-10. Review status: criteria provided, single submitter. Criteria: GeneDx Variant Classification Process June 2021. Collection method: clinical testing. Allele origin: germline.
Comment: Identified in a patient with thoracic and abdominal aortic aneurysm and or/dissection who harbored additional cardiogenetic variants and in a patient with ischemic stroke (PMID: 22001912, 36973604); In silico analysis supports that this missense variant has a deleterious effect on protein structure/function; This variant is associated with the following publications: (PMID: 25637381, 22001912, 36973604, 21529752)

Ambry Genetics
Classification: Uncertain significance for Familial thoracic aortic aneurysm and aortic dissection. Last evaluated: 2024-04-03. Review status: criteria provided, single submitter. Criteria: Ambry Variant Classification Scheme 2023. Collection method: clinical testing. Allele origin: germline.
Comment: The p.R1648C variant (also known as c.4942C>T), located in coding exon 33 of the MYH11 gene, results from a C to T substitution at nucleotide position 4942. The arginine at codon 1648 is replaced by cysteine, an amino acid with highly dissimilar properties. This variant (referred to as NM_001040113.1:c.4963C>T, p.R1655C) has been detected in an individual with thoracic and abdominal aortic aneurysm/dissection (Sakai H et al. Hum Genet, 2012 Apr;131:591-9). This amino acid position is highly conserved in available vertebrate species. In addition, this alteration is predicted to be deleterious by in silico analysis. Based on the available evidence, the clinical significance of this variant remains unclear.

Fulgent Genetics
Classification: Uncertain significance for Aortic aneurysm, familial thoracic 4; Visceral myopathy 2; Megacystis-microcolon-intestinal hypoperistalsis syndrome 2. Last evaluated: 2021-08-09. Review status: criteria provided, single submitter. Criteria: ACMG Guidelines, 2015. Collection method: clinical testing. Allele origin: unknown.

CSER _CC_NCGL, University of Washington
Classification: Uncertain significance for Aortic aneurysm. Last evaluated: 2014-06-01. Review status: no assertion criteria provided. Collection method: research. Allele origin: germline. Inheritance: Autosomal dominant inheritance. Study: ESP 6500 variant annotation. Not counted in ClinVar's aggregate classification.
Comment: Variants classified for the Actionable exomic incidental findings in 6503 participants: challenges of variant classification manuscript

Literature cited by the submitters: PubMed 22001912 (cited by 3 submitters); PubMed 36973604 (cited by Color Diagnostics, LLC DBA Color Health).